The following is an entry in ClinVar:

ClinVar aggregate classification (germline): Likely benign. Review status: criteria provided, multiple submitters, no conflicts (2 of 4 stars). 2 submissions from 2 submitters: Likely benign (2). Last evaluated 2018-01-13.

Conditions:
Retinitis pigmentosa (RP). Identifiers: Orphanet 791, MedGen C0035334, MeSH D012174, MONDO:0019200, OMIM 268000. Inheritance: Autosomal dominant, autosomal recessive and X linked inheritance.

Allele frequency attached by ClinVar (database versions not stated): TOPMed 0.03562; gnomAD exomes 0.01170 and 0.01439; ExAC 0.01471; gnomAD 0.03181 and 0.03370; 1000 Genomes Project 0.03435; 1000 Genomes Project 30x 0.03545.
gnomAD v4.1: 8,501 of 456,658 alleles (1.9%); highest among the groups gnomAD compares: African/African-American, 8.2%; 230 homozygotes.

Submissions (2):

Illumina Laboratory Services, Illumina
Classification: Likely benign for Retinitis pigmentosa. Last evaluated: 2018-01-13. Review status: criteria provided, single submitter. Criteria: ICSL Variant Classification Criteria 13 December 2019. Collection method: clinical testing. Allele origin: germline.
Comment: This variant was observed in the ICSL laboratory as part of a predisposition screen in an ostensibly healthy population. It had not been previously curated by ICSL or reported in the Human Gene Mutation Database (HGMD: prior to June 1st, 2018), and was therefore a candidate for classification through an automated scoring system. Utilizing variant allele frequency, disease prevalence and penetrance estimates, and inheritance mode, an automated score was calculated to assess if this variant is too frequent to cause the disease. Based on the score and internal cut-off values, a variant classified as likely benign is not then subjected to further curation. The score for this variant resulted in a classification of likely benign for this disease.

Breakthrough Genomics
Classification: Likely benign. Review status: criteria provided, single submitter. Criteria: ACMG Guidelines, 2015. Collection method: not provided. Allele origin: germline. Inheritance: Unknown mechanism. Affected: yes.

NM_001077620.3(PRCD):c.*933G>A

Genes: CYGB (cytoglobin; minus strand), PRCD (photoreceptor disc component; plus strand). Cytogenetic location: 17q25.1.
Variant type: single nucleotide variant.
Coding change: c.*933G>A on transcript NM_001077620.3 (MANE Select); 933 bases downstream of the stop codon, G replaced by A.
Molecular consequence: 3 prime UTR variant. On other transcripts: non-coding transcript variant (1).
Genome position (GRCh38, 1-based): chr17:76,544,583, G>A. VCF-style: chr17-76544583-G-A. GRCh37 (hg19) VCF-style: chr17-74540665-G-A.
Identifiers: ClinVar variation 325490 (VCV000325490.6), dbSNP rs73998961, ClinGen allele CA8788046.